The following is an entry in ClinVar:

NM_005412.6(SHMT2):c.1052C>T (p.Ser351Phe)

Gene: SHMT2 (serine hydroxymethyltransferase 2; plus strand). Cytogenetic location: 12q13.3.
Variant type: single nucleotide variant.
Coding change: c.1052C>T on transcript NM_005412.6 (MANE Select); coding-DNA position 1052, C replaced by T.
Protein change: p.Ser351Phe; replaces serine 351 with phenylalanine.
Molecular consequence: missense variant. On other transcripts: non-coding transcript variant (4).
Genome position (GRCh38, 1-based): chr12:57,233,591, C>T. VCF-style: chr12-57233591-C-T. GRCh37 (hg19) VCF-style: chr12-57627374-C-T.
Other names: c.1022C>T, p.Ser341Phe (NM_001166356.2); c.989C>T, p.Ser330Phe (NM_001166357.1, NM_001166358.2, NM_001166359.1); short protein forms S330F, S341F, S351F.
Identifiers: ClinVar variation 3359573 (VCV003359573.2).
Genomic context (GRCh38, chr12:57,233,591, plus strand): 5'-TAGGGTGACAGCTGCTACTGTCTCATCTCCAGGCCTGCACCCCCATGTTCCGGGAGTACT[C>T]CCTGCAGGTTCTGAAGAATGCTCGGGCCATGGCAGATGCCCTGCTAGAGCGAGGCTACTC-3'
Protein context (NP_005403.2, residues 341-361): QACTPMFREY[Ser351Phe]LQVLKNARAM

ClinVar aggregate classification (germline): Uncertain significance (1 of 4 stars; one submission).

Submission:

GeneDx
Classification: Uncertain significance. Last evaluated: 2025-12-11. Review status: criteria provided, single submitter. Criteria: GeneDx Variant Classification Process June 2021. Collection method: clinical testing. Allele origin: germline.
Comment: Not observed at significant frequency in large population cohorts (gnomAD); In silico analysis supports that this missense variant has a deleterious effect on protein structure/function; Has not been previously published as pathogenic or benign to our knowledge